The following is an entry in ClinVar:

ClinVar aggregate classification (germline): Uncertain significance (1 of 4 stars; one submission).

Submission:

GeneDx
Classification: Uncertain significance. Last evaluated: 2025-05-22. Review status: criteria provided, single submitter. Criteria: GeneDx Variant Classification Process June 2021. Collection method: clinical testing. Allele origin: germline. Affected: yes.
Comment: Not observed at significant frequency in large population cohorts (gnomAD); In silico analysis suggests that this missense variant does not alter protein structure/function; Has not been previously published as pathogenic or benign to our knowledge

NM_000404.4(GLB1):c.1692C>G (p.Asp564Glu)

Gene: GLB1 (galactosidase beta 1; minus strand). Cytogenetic location: 3p22.3.
Variant type: single nucleotide variant.
Coding change: c.1692C>G on transcript NM_000404.4 (MANE Select); coding-DNA position 1692, C replaced by G.
Protein change: p.Asp564Glu; replaces aspartic acid 564 with glutamic acid.
Molecular consequence: missense variant.
Genome position (GRCh38, 1-based): chr3:33,014,098, G>C on the plus strand (C>G on the coding strand, the complement: GLB1 is on the minus strand). VCF-style: chr3-33014098-G-C. GRCh37 (hg19) VCF-style: chr3-33055590-G-C.
Other names: c.1602C>G, p.Asp534Glu (NM_001079811.3); c.1299C>G, p.Asp433Glu (NM_001135602.3); c.1836C>G, p.Asp612Glu (NM_001317040.2); c.1692C>G, p.Asp564Glu (NM_001393580.1); short protein forms D433E, D534E, D564E, D612E.
Identifiers: ClinVar variation 4530713 (VCV004530713.1).